The following is an entry in ClinVar:

ClinVar aggregate classification (germline): Uncertain significance. Review status: criteria provided, multiple submitters, no conflicts (2 of 4 stars). 3 submissions from 3 submitters: Uncertain significance (3). Last evaluated 2026-07-06.

Conditions:
Inborn genetic diseases. Identifiers: MedGen C0950123, MeSH D030342.
SCAPER-related disorder. Also called: SCAPER-related condition.

Allele frequency attached by ClinVar (database versions not stated): TOPMed 0.00006; gnomAD 0.00007; ExAC 0.00008; gnomAD exomes 0.00015.
gnomAD v4.1: 214 of 1,609,876 alleles (0.013%); highest among the groups gnomAD compares: Non-Finnish European, 0.018%; no homozygotes.

Submissions (3):

PreventionGenetics, part of Exact Sciences
Classification: Uncertain significance for SCAPER-related condition. Last evaluated: 2026-07-06. Review status: criteria provided, single submitter. Criteria: ACMG Guidelines, 2015. Collection method: clinical testing. Allele origin: germline.
Comment: The SCAPER c.419A>G variant is predicted to result in the amino acid substitution p.Tyr140Cys. To our knowledge, this variant has not been reported in the literature. This variant is reported in 0.013% of alleles in individuals of European (Non-Finnish) descent in gnomAD. At this time, the clinical significance of this variant is uncertain due to the absence of conclusive functional and genetic evidence.

Ambry Genetics
Classification: Uncertain significance for Inborn genetic diseases. Last evaluated: 2024-11-25. Review status: criteria provided, single submitter. Criteria: Ambry Variant Classification Scheme 2023. Collection method: clinical testing. Allele origin: germline.

Blueprint Genetics
Classification: Uncertain significance. Last evaluated: 2024-11-05. Review status: criteria provided, single submitter. Criteria: ACMG Guidelines, 2015. Collection method: clinical testing. Allele origin: germline.

NM_020843.4(SCAPER):c.419A>G (p.Tyr140Cys)

Gene: SCAPER (S-phase cyclin A associated protein in the ER; minus strand). Cytogenetic location: 15q24.3.
Variant type: single nucleotide variant.
Coding change: c.419A>G on transcript NM_020843.4 (MANE Select); coding-DNA position 419, A replaced by G.
Protein change: p.Tyr140Cys; replaces tyrosine 140 with cysteine.
Molecular consequence: missense variant. On other transcripts: 5 prime UTR variant (1), non-coding transcript variant (1).
Genome position (GRCh38, 1-based): chr15:76,804,608, T>C on the plus strand (A>G on the coding strand, the complement: SCAPER is on the minus strand). VCF-style: chr15-76804608-T-C. GRCh37 (hg19) VCF-style: chr15-77096949-T-C.
Other names: c.-479A>G (NM_001145923.2); c.419A>G, p.Tyr140Cys (NM_001353009.2); c.17A>G, p.Tyr6Cys (NM_001353010.2, NM_001353011.2, NM_001353012.2); c.419A>G (NM_001353009.1); short protein forms Y6C, Y140C.
Identifiers: ClinVar variation 2216874 (VCV002216874.5), dbSNP rs746935691, ClinGen allele CA7675205.